The following is an entry in ClinVar:

NM_004036.5(ADCY3):c.372C>G (p.Leu124=)

Gene: ADCY3 (adenylate cyclase 3; minus strand). Cytogenetic location: 2p23.3.
Variant type: single nucleotide variant.
Coding change: c.372C>G on transcript NM_004036.5 (MANE Select); coding-DNA position 372, C replaced by G.
Protein change: p.Leu124=; no amino-acid change (leucine 124 retained).
Molecular consequence: synonymous variant.
Genome position (GRCh38, 1-based): chr2:24,918,616, G>C on the plus strand (C>G on the coding strand, the complement: ADCY3 is on the minus strand). VCF-style: chr2-24918616-G-C. GRCh37 (hg19) VCF-style: chr2-25141485-G-C.
Other names: c.372C>G, p.Leu124= (NM_001320613.2, NM_001377128.1, NM_001377129.1 and 2 more transcripts); c.372C>G (NM_001320613.1).
Identifiers: ClinVar variation 2860909 (VCV002860909.14), dbSNP rs77878802, ClinGen allele CA1554526.

ClinVar aggregate classification (germline): Benign/Likely benign. Review status: criteria provided, multiple submitters, no conflicts (2 of 4 stars). 4 submissions from 4 submitters: Benign (1); Likely benign (2). 1 of the submissions does not count toward it. Last evaluated 2025-11-24.

Conditions:
ADCY3-related disorder. Also called: ADCY3-related condition.

Allele frequency attached by ClinVar (database versions not stated): TOPMed 0.00061; ExAC 0.00082; 1000 Genomes Project 30x 0.00094; gnomAD 0.00098; 1000 Genomes Project 0.00100; ESP Exome Variant Server 0.00123; gnomAD exomes 0.00124.
gnomAD v4.1: 1,989 of 1,614,158 alleles (0.12%); highest among the groups gnomAD compares: South Asian, 0.15%; 4 homozygotes.

Submissions (4):

Labcorp Genetics (formerly Invitae), Labcorp
Classification: Benign. Last evaluated: 2025-11-24. Review status: criteria provided, single submitter. Criteria: Invitae Variant Classification Sherloc (09022015). Collection method: clinical testing. Allele origin: germline.

CeGaT Center for Human Genetics Tuebingen
Classification: Likely benign. Last evaluated: 2025-07-01. Review status: criteria provided, single submitter. Criteria: CeGaT Center For Human Genetics Tuebingen Variant Classification Criteria Version 2. Collection method: clinical testing. Allele origin: germline. Affected: yes. Observed: 1 variant allele.
Comment: ADCY3: BP4, BP7

Blueprint Genetics
Classification: Likely benign. Last evaluated: 2024-11-08. Review status: criteria provided, single submitter. Criteria: ACMG Guidelines, 2015. Collection method: clinical testing. Allele origin: germline.

PreventionGenetics, part of Exact Sciences
Classification: Likely benign for ADCY3-related condition. Last evaluated: 2019-09-09. Review status: no assertion criteria provided. Collection method: clinical testing. Allele origin: germline. Not counted in ClinVar's aggregate classification.
Comment: This variant is classified as likely benign based on ACMG/AMP sequence variant interpretation guidelines (Richards et al. 2015 PMID: 25741868, with internal and published modifications).